The following is an entry in ClinVar:

ClinVar aggregate classification (germline): Uncertain significance. Review status: criteria provided, single submitter (1 of 4 stars). 2 submissions from 2 submitters: Uncertain significance (1). 1 of the submissions does not count toward it. Last evaluated 2018-08-06.

Conditions:
Idiopathic Pulmonary Fibrosis. Also called: Idiopathic fibrosing alveolitis, chronic form; idiopathic fibrosing alveolitis. Identifiers: Orphanet 2032, MedGen C1800706, MeSH D054990, MONDO:0800504.
Dyskeratosis congenita, autosomal dominant 2. Identifiers: MedGen C3151443, MONDO:0013521, OMIM 613989.
Pulmonary fibrosis. Identifiers: MedGen C0034069, MONDO:0002771, HP:0002206.

Submissions (2):

Labcorp Genetics (formerly Invitae), Labcorp
Classification: Uncertain significance for Dyskeratosis congenita, autosomal dominant 2; Idiopathic Pulmonary Fibrosis. Last evaluated: 2018-08-06. Review status: criteria provided, single submitter. Criteria: Invitae Variant Classification Sherloc (09022015). Collection method: clinical testing. Allele origin: germline.
Comment: In summary, the available evidence is currently insufficient to determine the role of this variant in disease. Therefore, it has been classified as a Variant of Uncertain Significance. Algorithms developed to predict the effect of missense changes on protein structure and function are either unavailable or do not agree on the potential impact of this missense change (SIFT: "Tolerated"; PolyPhen-2: "Probably Damaging"; Align-GVGD: "Class C0"). This variant has not been reported in the literature in individuals with TERT-related disease. While this variant is not present in population databases, the frequency information is unreliable, as metrics indicate poor data quality at this position in the ExAC database. This sequence change replaces aspartic acid with asparagine at codon 43 of the TERT protein (p.Asp43Asn). The aspartic acid residue is moderately conserved and there is a small physicochemical difference between aspartic acid and asparagine.

Garcia Pulmonary Genetics Research Laboratory, Columbia University Irving Medical Center
Classification: Likely risk allele for Pulmonary fibrosis. Last evaluated: 2022-06-09. Review status: no assertion criteria provided. Collection method: research. Allele origin: germline. Affected: yes. Not counted in ClinVar's aggregate classification.
Comment: Leukocyte telomere length (by qPCR) less than 10th percentile age-adjusted

NM_198253.3(TERT):c.127G>A (p.Asp43Asn)

Genes: TERT (telomerase reverse transcriptase; minus strand), LOC110806263 (TERT 5' regulatory region; plus strand). Cytogenetic location: 5p15.33.
Variant type: single nucleotide variant.
Coding change: c.127G>A on transcript NM_198253.3 (MANE Select); coding-DNA position 127, G replaced by A.
Protein change: p.Asp43Asn; replaces aspartic acid 43 with asparagine.
Molecular consequence: missense variant. On other transcripts: non-coding transcript variant (2).
Genome position (GRCh38, 1-based): chr5:1,294,863, C>T on the plus strand (G>A on the coding strand, the complement: TERT is on the minus strand). VCF-style: chr5-1294863-C-T. GRCh37 (hg19) VCF-style: chr5-1294978-C-T.
Other names: p.Asp43Asn; c.127G>A, p.Asp43Asn (NM_001193376.3); short protein forms D43N.
Identifiers: ClinVar variation 650549 (VCV000650549.34), dbSNP rs1579599236, ClinGen allele CA359059174.